The following is an entry in ClinVar:

ClinVar aggregate classification (germline): Uncertain significance (1 of 4 stars; one submission).

Conditions:
Oculomaxillofacial dysostosis (OBLFC1). Also called: OCULOMAXILLOFACIAL DYSPLASIA WITH OBLIQUE FACIAL CLEFTS. Identifiers: Orphanet 141258, Orphanet 1794, MedGen C1838348, MONDO:0015824, OMIM 600251.

Submission:

Baylor Genetics
Classification: Uncertain significance for Oculomaxillofacial dysostosis. Last evaluated: 2018-04-30. Review status: criteria provided, single submitter. Criteria: ACMG Guidelines, 2015. Collection method: clinical testing. Allele origin: maternal. Affected: yes.
Comment: This variant was determined to be of uncertain significance according to ACMG Guidelines, 2015 [PMID:25741868].

NM_015330.6(SPECC1L):c.2454G>A (p.Leu818=)

Genes: SPECC1L (sperm antigen with calponin homology and coiled-coil domains 1 like; plus strand), SPECC1L-ADORA2A (SPECC1L-ADORA2A readthrough (NMD candidate); plus strand). Cytogenetic location: 22q11.23.
Variant type: single nucleotide variant.
Coding change: c.2454G>A on transcript NM_015330.6 (MANE Select); coding-DNA position 2454, G replaced by A.
Protein change: p.Leu818=; no amino-acid change (leucine 818 retained).
Molecular consequence: synonymous variant. On other transcripts: non-coding transcript variant (1).
Genome position (GRCh38, 1-based): chr22:24,334,467, G>A. VCF-style: chr22-24334467-G-A. GRCh37 (hg19) VCF-style: chr22-24730435-G-A.
Other names: c.2454G>A, p.Leu818= (NM_001145468.4, NM_001254732.3).
Identifiers: ClinVar variation 1033768 (VCV001033768.1), dbSNP rs2041009092, ClinGen allele CA513814690.
Genomic context (GRCh38, chr22:24,334,467, plus strand): 5'-CAGGCAAGAGGAGGAGCGAGGCCGGGTATACAATTACATGAATGCCGTTGAGAGAGATTT[G>A]GCAGCCTTAAGGCAGGGAATGGGACTGAGTAGAAGGTCCTCGACTTCCTCAGAGCCAACT-3'
Protein context (NP_056145.5, residues 808-828): YNYMNAVERD[Leu818=]AALRQGMGLS